The following is an entry in ClinVar:

ClinVar aggregate classification (germline): Uncertain significance. Review status: criteria provided, multiple submitters, no conflicts (2 of 4 stars). 2 submissions from 2 submitters: Uncertain significance (2). Last evaluated 2025-06-27.

Submissions (2):

GeneDx
Classification: Uncertain significance. Last evaluated: 2025-06-27. Review status: criteria provided, single submitter. Criteria: GeneDx Variant Classification Process June 2021. Collection method: clinical testing. Allele origin: germline. Affected: yes.
Comment: Not observed at significant frequency in large population cohorts (gnomAD); In silico analysis suggests that this missense variant does not alter protein structure/function; Has not been previously published as pathogenic or benign to our knowledge

Labcorp Genetics (formerly Invitae), Labcorp
Classification: Uncertain significance. Last evaluated: 2025-02-17. Review status: criteria provided, single submitter. Criteria: Invitae Variant Classification Sherloc (09022015). Collection method: clinical testing. Allele origin: germline.
Comment: This sequence change replaces lysine, which is basic and polar, with arginine, which is basic and polar, at codon 695 of the TAF1 protein (p.Lys695Arg). This variant is not present in population databases (gnomAD no frequency). This variant has not been reported in the literature in individuals affected with TAF1-related conditions. ClinVar contains an entry for this variant (Variation ID: 2806790). Invitae Evidence Modeling of protein sequence and biophysical properties (such as structural, functional, and spatial information, amino acid conservation, physicochemical variation, residue mobility, and thermodynamic stability) indicates that this missense variant is not expected to disrupt TAF1 protein function with a negative predictive value of 80%. In summary, the available evidence is currently insufficient to determine the role of this variant in disease. Therefore, it has been classified as a Variant of Uncertain Significance.

NM_004606.5(TAF1):c.2024A>G (p.Lys675Arg)

Gene: TAF1 (TATA-box binding protein associated factor 1; plus strand). Cytogenetic location: Xq13.1.
Variant type: single nucleotide variant.
Coding change: c.2024A>G on transcript NM_004606.5 (MANE Select); coding-DNA position 2024, A replaced by G.
Protein change: p.Lys675Arg; replaces lysine 675 with arginine.
Molecular consequence: missense variant. On other transcripts: non-coding transcript variant (9).
Genome position (GRCh38, 1-based): chrX:71,384,038, A>G. VCF-style: chrX-71384038-A-G. GRCh37 (hg19) VCF-style: chrX-70603888-A-G.
Other names: c.2024A>G, p.Lys675Arg (NM_001286074.2); c.1961A>G, p.Lys654Arg (NM_138923.4); short protein forms K675R, K654R.
Identifiers: ClinVar variation 2806790 (VCV002806790.4), dbSNP rs2520237969, ClinGen allele CA413516951.